The following is an entry in ClinVar:

ClinVar aggregate classification (germline): Benign/Likely benign. Review status: criteria provided, multiple submitters, no conflicts (2 of 4 stars). 3 submissions from 3 submitters: Benign (1); Likely benign (1). 1 of the submissions does not count toward it. Last evaluated 2023-02-01.

Conditions:
BLTP1-related disorder. Also called: BLTP1-related condition.

Submissions (3):

CeGaT Center for Human Genetics Tuebingen
Classification: Likely benign. Last evaluated: 2023-02-01. Review status: criteria provided, single submitter. Criteria: CeGaT Center For Human Genetics Tuebingen Variant Classification Criteria Version 2. Collection method: clinical testing. Allele origin: germline. Affected: yes. Observed: 1 variant allele.
Comment: BLTP1: BP4

Labcorp Genetics (formerly Invitae), Labcorp
Classification: Benign. Last evaluated: 2019-12-31. Review status: criteria provided, single submitter. Criteria: Invitae Variant Classification Sherloc (09022015). Collection method: clinical testing. Allele origin: germline.

PreventionGenetics, part of Exact Sciences
Classification: Likely benign for BLTP1-related condition. Last evaluated: 2019-07-02. Review status: no assertion criteria provided. Collection method: clinical testing. Allele origin: germline. Not counted in ClinVar's aggregate classification.
Comment: This variant is classified as likely benign based on ACMG/AMP sequence variant interpretation guidelines (Richards et al. 2015 PMID: 25741868, with internal and published modifications).

NM_001384125.1(BLTP1):c.4917-5dup

Gene: BLTP1 (bridge-like lipid transfer protein family member 1; plus strand). Cytogenetic location: 4q27.
Variant type: Duplication.
Coding change: c.4917-5dup on transcript NM_001384125.1 (MANE Select); 5 bases into the intron before coding-DNA position 4917, one base duplicated (C; older notation c.4917-5dupC).
Molecular consequence: intron variant.
Genome position (GRCh38, 1-based): chr4:122,245,015, C duplicated; the last of 4 consecutive C bases (chr4:122,245,012-122,245,015); duplicating any one gives the same sequence. VCF-style (leftmost placement, unchanged base first): chr4-122245011-T-TC. GRCh37 (hg19) VCF-style: chr4-123166166-T-TC.
Other names: c.4917-5dupC (NM_015312.3); c.4917-5dup (NM_015312.4).
Identifiers: ClinVar variation 741820 (VCV000741820.29), dbSNP rs768730009, ClinGen allele CA3066464.
Genomic context (GRCh38, chr4:122,245,011, plus strand): 5'-ATGTTTACATAAACTAAGTTGTAGAATCAACGACATTTAAATATTTCATTTACTGTTTTT[T>TC]CCCCTCAGATATATTGAAGCAATGGTTCATTGTGCTAGTACCCGACATCCAGCTGCAATT-3'